The following is an entry in ClinVar:

NM_198334.3(GANAB):c.1633G>A (p.Glu545Lys)

Gene: GANAB (glucosidase II alpha subunit; minus strand). Cytogenetic location: 11q12.3.
Variant type: single nucleotide variant.
Coding change: c.1633G>A on transcript NM_198334.3 (MANE Select); coding-DNA position 1633, G replaced by A.
Protein change: p.Glu545Lys; replaces glutamic acid 545 with lysine.
Molecular consequence: missense variant.
Genome position (GRCh38, 1-based): chr11:62,629,918, C>T on the plus strand (G>A on the coding strand, the complement: GANAB is on the minus strand). VCF-style: chr11-62629918-C-T. GRCh37 (hg19) VCF-style: chr11-62397390-C-T.
Other names: c.1357G>A, p.Glu453Lys (NM_001278192.2); c.1291G>A, p.Glu431Lys (NM_001278193.2); c.1342G>A, p.Glu448Lys (NM_001278194.2, NM_001329222.2, NM_001329223.2); c.910G>A, p.Glu304Lys (NM_001329224.2, NM_001329225.2); c.1699G>A, p.Glu567Lys (NM_198335.4); short protein forms E304K, E431K, E448K, E453K, E545K, E567K.
Identifiers: ClinVar variation 3348404 (VCV003348404.2).

ClinVar aggregate classification (germline): Uncertain significance. Review status: criteria provided, single submitter (1 of 4 stars). 2 submissions from 2 submitters: Uncertain significance (1). 1 of the submissions does not count toward it. Last evaluated 2020-05-29.

Conditions:
GANAB-related disorder. Also called: GANAB-related condition.

gnomAD v4.1: 1 of 1,613,952 alleles (0.000062%); highest among the groups gnomAD compares: Non-Finnish European, 0.000085%; no homozygotes.

Submissions (2):

Blueprint Genetics
Classification: Uncertain significance. Last evaluated: 2020-05-29. Review status: criteria provided, single submitter. Criteria: ACMG Guidelines, 2015. Collection method: clinical testing. Allele origin: germline.

PreventionGenetics, part of Exact Sciences
Classification: Uncertain significance for GANAB-related condition. Last evaluated: 2024-05-09. Review status: no assertion criteria provided. Collection method: clinical testing. Allele origin: germline. Not counted in ClinVar's aggregate classification.
Comment: The GANAB c.1699G>A variant is predicted to result in the amino acid substitution p.Glu567Lys. To our knowledge, this variant has not been reported in the literature or in a large population database, indicating this variant is rare. At this time, the clinical significance of this variant is uncertain due to the absence of conclusive functional and genetic evidence.